The following is an entry in ClinVar:

ClinVar aggregate classification (germline): Likely pathogenic (1 of 4 stars; one submission).

Submission:

Dasa
Classification: Likely pathogenic. Last evaluated: 2026-02-10. Review status: criteria provided, single submitter. Criteria: DASA Assertion Criteria. Collection method: clinical testing. Allele origin: germline.
Comment: NM_004560.4(ROR2):c.1127G>A (p.Trp376*) introduces a premature termination codon predicted to result in loss of normal protein function. Loss-of-function is an established mechanism of disease for this gene. The variant is present at low frequency in population datasets. Based on the available data, this variant is classified as likely pathogenic.

NM_004560.4(ROR2):c.1127G>A (p.Trp376Ter)

Gene: ROR2 (receptor tyrosine kinase like orphan receptor 2; minus strand). Cytogenetic location: 9q22.31.
Variant type: single nucleotide variant.
Coding change: c.1127G>A on transcript NM_004560.4 (MANE Select); coding-DNA position 1127, G replaced by A.
Protein change: p.Trp376Ter; replaces tryptophan 376 with a stop codon.
Molecular consequence: nonsense.
Genome position (GRCh38, 1-based): chr9:91,730,966, C>T on the plus strand (G>A on the coding strand, the complement: ROR2 is on the minus strand). VCF-style: chr9-91730966-C-T. GRCh37 (hg19) VCF-style: chr9-94493248-C-T.
Other names: c.1127G>A, p.Trp376Ter (NM_001318204.2); short protein forms W376*.
Identifiers: ClinVar variation 4851782 (VCV004851782.1).